The following is an entry in ClinVar:

NM_025114.4(CEP290):c.2252G>A (p.Arg751Gln)

Gene: CEP290 (centrosomal protein 290; minus strand). Cytogenetic location: 12q21.32.
Variant type: single nucleotide variant.
Coding change: c.2252G>A on transcript NM_025114.4 (MANE Select); coding-DNA position 2252, G replaced by A.
Protein change: p.Arg751Gln; replaces arginine 751 with glutamine.
Molecular consequence: missense variant.
Genome position (GRCh38, 1-based): chr12:88,111,317, C>T on the plus strand (G>A on the coding strand, the complement: CEP290 is on the minus strand). VCF-style: chr12-88111317-C-T. GRCh37 (hg19) VCF-style: chr12-88505094-C-T.
Other names: short protein forms R751Q.
Identifiers: ClinVar variation 834820 (VCV000834820.7), dbSNP rs1360220092, ClinGen allele CA385974678.

ClinVar aggregate classification (germline): Uncertain significance. Review status: criteria provided, multiple submitters, no conflicts (2 of 4 stars). 3 submissions from 3 submitters: Uncertain significance (2). 1 of the submissions does not count toward it. Last evaluated 2025-10-22.

Conditions:
CEP290-related disorder. Also called: CEP290-related condition; CEP290-related disorders. Identifiers: MedGen CN239314.
Meckel-Gruber syndrome. Also called: DYSENCEPHALIA SPLANCHNOCYSTICA; GRUBER SYNDROME; Dysencephalia splachnocystica. Identifiers: Orphanet 564, MedGen C0265215, MONDO:0018921.
Nephronophthisis. Also called: Juvenile Nephronophthisis. Identifiers: Orphanet 655, MedGen C0687120, MONDO:0019005, HP:0000090.
Joubert syndrome. Also called: CEREBELLOPARENCHYMAL DISORDER IV; JOUBERT-BOLTSHAUSER SYNDROME; Familial aplasia of the vermis. Identifiers: Orphanet 475, MedGen C5979921, MONDO:0018772.
Leber congenital amaurosis (LCA). Also called: Leber's amaurosis. Identifiers: Orphanet 65, MedGen C0339527, MeSH D057130, MONDO:0018998.

Allele frequency attached by ClinVar (database versions not stated): TOPMed below 0.00001.
gnomAD v4.1: 27 of 1,562,010 alleles (0.0017%); highest among the groups gnomAD compares: Non-Finnish European, 0.0023%; no homozygotes.

Submissions (3):

Labcorp Genetics (formerly Invitae), Labcorp
Classification: Uncertain significance for Joubert syndrome; Meckel-Gruber syndrome; Nephronophthisis. Last evaluated: 2025-10-22. Review status: criteria provided, single submitter. Criteria: Invitae Variant Classification Sherloc (09022015). Collection method: clinical testing. Allele origin: germline.
Comment: This sequence change replaces arginine, which is basic and polar, with glutamine, which is neutral and polar, at codon 751 of the CEP290 protein (p.Arg751Gln). The frequency data for this variant in the population databases is considered unreliable, as metrics indicate poor data quality at this position in the gnomAD database. This missense change has been observed in individual(s) with non-syndromic retinal dystrophy (PMID: 34196655). ClinVar contains an entry for this variant (Variation ID: 834820). Invitae Evidence Modeling of protein sequence and biophysical properties (such as structural, functional, and spatial information, amino acid conservation, physicochemical variation, residue mobility, and thermodynamic stability) indicates that this missense variant is not expected to disrupt CEP290 protein function with a negative predictive value of 80%. In summary, the available evidence is currently insufficient to determine the role of this variant in disease. Therefore, it has been classified as a Variant of Uncertain Significance.

PreventionGenetics, part of Exact Sciences
Classification: Uncertain significance for CEP290-related condition. Last evaluated: 2023-08-14. Review status: criteria provided, single submitter. Criteria: ACMG Guidelines, 2015. Collection method: clinical testing. Allele origin: germline.
Comment: The CEP290 c.2252G>A variant is predicted to result in the amino acid substitution p.Arg751Gln. This variant has been reported in an individual with nonsyndromic retinal dystrophy (Table 2, Testa et al. 2021. PubMed ID: 34196655). This variant is reported in 0.0012% of alleles in individuals of European (Non-Finnish) descent in gnomAD. At this time, the clinical significance of this variant is uncertain due to the absence of conclusive functional and genetic evidence.

Natera, Inc.
Classification: Uncertain significance for Leber congenital amaurosis. Last evaluated: 2021-03-11. Review status: no assertion criteria provided. Collection method: clinical testing. Allele origin: germline. Not counted in ClinVar's aggregate classification.

Literature cited by the submitters: PubMed 34196655 (cited by Labcorp Genetics (formerly Invitae), Labcorp).